The following is an entry in ClinVar:

NM_000444.6(PHEX):c.422C>T (p.Ser141Phe)

Gene: PHEX (phosphate regulating endopeptidase X-linked; plus strand). Cytogenetic location: Xp22.11.
Variant type: single nucleotide variant.
Coding change: c.422C>T on transcript NM_000444.6 (MANE Select); coding-DNA position 422, C replaced by T.
Protein change: p.Ser141Phe; replaces serine 141 with phenylalanine.
Molecular consequence: missense variant.
Genome position (GRCh38, 1-based): chrX:22,076,460, C>T. VCF-style: chrX-22076460-C-T. GRCh37 (hg19) VCF-style: chrX-22094578-C-T.
Other names: c.422C>T, p.Ser141Phe (NM_001282754.2); short protein forms S141F.
Identifiers: ClinVar variation 803741 (VCV000803741.8), dbSNP rs1602273900, ClinGen allele CA412571179.
Genomic context (GRCh38, chrX:22,076,460, plus strand): 5'-AATCAATCAGTAGAAGGCGGGACACCGAAGCCATACAGAAAGCCAAAATCCTTTATTCAT[C>T]CTGCATGAATGAGAGTGAGTGATGAAGAAAACTAAATAAAATATTTACCATCCCTATCCT-3'
Protein context (NP_000435.3, residues 131-151): AIQKAKILYS[Ser141Phe]CMNEKAIEKA

ClinVar aggregate classification (germline): Pathogenic/Likely pathogenic. Review status: criteria provided, multiple submitters, no conflicts (2 of 4 stars). 2 submissions from 2 submitters: Pathogenic (1); Likely pathogenic (1). Last evaluated 2021-04-13.

Conditions:
Familial X-linked hypophosphatemic vitamin D refractory rickets (XLHRD). Also called: HYPOPHOSPHATEMIC VITAMIN D-RESISTANT RICKETS; Hypophosphatemia, vitamin D-resistant rickets; Vitamin D-resistant rickets, X-linked; X-Linked Hypophosphatemia; Hypophosphatemic Rickets, X-Linked Dominant. Identifiers: Orphanet 89936, MedGen C0733682, MONDO:0010619, OMIM 307800.

Submissions (2):

Labcorp Genetics (formerly Invitae), Labcorp
Classification: Pathogenic. Last evaluated: 2021-04-13. Review status: criteria provided, single submitter. Criteria: Invitae Variant Classification Sherloc (09022015). Collection method: clinical testing. Allele origin: germline.
Comment: This variant has been observed in individual(s) with hypophosphatemia (PMID: 26894575, Invitae). It has also been observed to segregate with disease in related individuals. ClinVar contains an entry for this variant (Variation ID: 803741). For these reasons, this variant has been classified as Pathogenic. This variant disrupts the p.Ser141 amino acid residue in PHEX. Other variant(s) that disrupt this residue have been observed in individuals with PHEX-related conditions (PMID: 10737991), which suggests that this may be a clinically significant amino acid residue. Advanced modeling of protein sequence and biophysical properties (such as structural, functional, and spatial information, amino acid conservation, physicochemical variation, residue mobility, and thermodynamic stability) performed at Invitae indicates that this missense variant is expected to disrupt PHEX protein function. This variant is not present in population databases (ExAC no frequency). This sequence change replaces serine with phenylalanine at codon 141 of the PHEX protein (p.Ser141Phe). The serine residue is highly conserved and there is a large physicochemical difference between serine and phenylalanine.

Mendelics
Classification: Likely pathogenic for Familial X-linked hypophosphatemic vitamin D refractory rickets. Last evaluated: 2019-05-28. Review status: criteria provided, single submitter. Criteria: Mendelics Assertion Criteria 2017. Collection method: clinical testing. Allele origin: unknown.

Literature cited by the submitters: PubMed 26894575 (cited by Labcorp Genetics (formerly Invitae), Labcorp); PubMed 10737991 (cited by Labcorp Genetics (formerly Invitae), Labcorp).